The following is an entry in ClinVar:

ClinVar aggregate classification (germline): Uncertain significance. Review status: criteria provided, multiple submitters, no conflicts (2 of 4 stars). 2 submissions from 2 submitters: Uncertain significance (2). Last evaluated 2025-12-19.

Conditions:
Hereditary cancer-predisposing syndrome. Also called: Tumor predisposition; Neoplastic Syndromes, Hereditary; Hereditary Cancer Syndrome; Hereditary neoplastic syndrome. Identifiers: Orphanet 140162, MedGen C0027672, MeSH D009386, MONDO:0015356.
Gastrointestinal stromal tumor. Also called: Gastrointestinal stromal tumor, somatic; Gastrointestinal stroma tumor. Identifiers: Orphanet 44890, MedGen C0238198, MeSH D046152, MONDO:0011719, OMIM 606764, HP:0100723.

Submissions (2):

Ambry Genetics
Classification: Uncertain significance for Hereditary cancer-predisposing syndrome. Last evaluated: 2025-12-19. Review status: criteria provided, single submitter. Criteria: Ambry Variant Classification Scheme 2023. Collection method: clinical testing. Allele origin: germline.
Comment: The c.2805_2806delTTinsAC variant, located in coding exon 21 of the KIT gene, results from an in-frame deletion of TT and insertion of AC at nucleotide positions 2805 to 2806. This results in the substitution of the tyrosine residue for a histidine residue at codon 936, an amino acid with similar properties. This variant was detected as heterozygous in individual(s) with no reported features of KIT-related gastrointestinal stromal tumor predisposition (Ambry internal data). This amino acid position is highly conserved in available vertebrate species. In addition, the in silico prediction for this alteration is inconclusive. Based on the available evidence, the clinical significance of this variant remains unclear.

Labcorp Genetics (formerly Invitae), Labcorp
Classification: Uncertain significance for Gastrointestinal stromal tumor. Last evaluated: 2025-08-13. Review status: criteria provided, single submitter. Criteria: Invitae Variant Classification Sherloc (09022015). Collection method: clinical testing. Allele origin: germline.
Comment: This sequence change replaces tyrosine, which is neutral and polar, with histidine, which is basic and polar, at codon 936 of the KIT protein (p.Tyr936His). Information on the frequency of this variant in the gnomAD database is not available, as this variant may be reported differently in the database. This variant has not been reported in the literature in individuals affected with KIT-related conditions. ClinVar contains an entry for this variant (Variation ID: 1512908). Experimental studies and prediction algorithms are not available or were not evaluated, and the functional significance of this variant is currently unknown. In summary, the available evidence is currently insufficient to determine the role of this variant in disease. Therefore, it has been classified as a Variant of Uncertain Significance.

NM_000222.3(KIT):c.2805_2806delinsAC (p.Tyr936His)

Gene: KIT (KIT proto-oncogene, receptor tyrosine kinase; plus strand). Cytogenetic location: 4q12.
Variant type: Indel.
Coding change: c.2805_2806delinsAC on transcript NM_000222.3 (MANE Select); coding-DNA positions 2805 to 2806, TT replaced by AC.
Protein change: p.Tyr936His; replaces tyrosine 936 with histidine.
Molecular consequence: missense variant.
Genome position (GRCh38, 1-based): chr4:54,738,431-54,738,432, TT replaced by AC. VCF-style: chr4-54738431-TT-AC. GRCh37 (hg19) VCF-style: chr4-55604597-TT-AC.
Other names: c.2793_2794delinsAC, p.Tyr932His (NM_001093772.2, NM_001385292.1); c.2808_2809delinsAC, p.Tyr937His (NM_001385284.1); c.2802_2803delinsAC, p.Tyr935His (NM_001385285.1); c.2790_2791delinsAC, p.Tyr931His (NM_001385286.1); c.2796_2797delinsAC, p.Tyr933His (NM_001385288.1); c.2805_2806delTTinsAC (NM_000222.2); c.2805_2806delinsAC, p.Tyr936His (NM_001385290.1); short protein forms Y935H, Y931H, Y936H, Y932H, Y933H, Y937H.
Identifiers: ClinVar variation 1512908 (VCV001512908.9), dbSNP rs2109818111, ClinGen allele CA2573138313.